The following is an entry in ClinVar:

ClinVar aggregate classification (germline): Benign/Likely benign. Review status: criteria provided, multiple submitters, no conflicts (2 of 4 stars). 6 submissions from 6 submitters: Benign (2); Likely benign (3). 1 of the submissions does not count toward it. Last evaluated 2024-04-05.

Conditions:
Hereditary spastic paraplegia. Also called: Familial spastic paraparesis. Identifiers: Orphanet 685, MedGen C0037773, MONDO:0019064. Disease mechanism: loss of function.
Hereditary spastic paraplegia 48. Also called: SPASTIC PARAPLEGIA 48, AUTOSOMAL RECESSIVE; Spastic paraplegia 48. Identifiers: Orphanet 306511, MedGen C3150901, MONDO:0013342, OMIM 613647.
AP5Z1-related disorder. Also called: AP5Z1-related condition.

Allele frequency attached by ClinVar (database versions not stated): gnomAD exomes 0.00144; ExAC 0.00162; 1000 Genomes Project 30x 0.00562; 1000 Genomes Project 0.00579; ESP Exome Variant Server 0.00594; gnomAD 0.00607 and 0.00667; TOPMed 0.00725.

Submissions (6):

Mayo Clinic Laboratories, Mayo Clinic
Classification: Benign. Last evaluated: 2024-04-05. Review status: criteria provided, single submitter. Criteria: ACMG Guidelines, 2015. Collection method: clinical testing. Allele origin: germline. Observed: 3 variant alleles.
Comment: BA1, BS2, BP4

Genome Diagnostics Laboratory, The Hospital for Sick Children
Classification: Benign for Hereditary spastic paraplegia. Last evaluated: 2021-09-01. Review status: criteria provided, single submitter. Criteria: ACMG Guidelines, 2015. Collection method: clinical testing. Allele origin: germline. Affected: yes.

GeneDx
Classification: Likely benign. Last evaluated: 2021-06-21. Review status: criteria provided, single submitter. Criteria: GeneDx Variant Classification Process June 2021. Collection method: clinical testing. Allele origin: germline. Affected: yes.

Illumina Laboratory Services, Illumina
Classification: Likely benign for Hereditary spastic paraplegia 48. Last evaluated: 2018-01-13. Review status: criteria provided, single submitter. Criteria: ICSL Variant Classification Criteria 13 December 2019. Collection method: clinical testing. Allele origin: germline.
Comment: This variant was observed in the ICSL laboratory as part of a predisposition screen in an ostensibly healthy population. It had not been previously curated by ICSL or reported in the Human Gene Mutation Database (HGMD: prior to June 1st, 2018), and was therefore a candidate for classification through an automated scoring system. Utilizing variant allele frequency, disease prevalence and penetrance estimates, and inheritance mode, an automated score was calculated to assess if this variant is too frequent to cause the disease. Based on the score and internal cut-off values, a variant classified as likely benign is not then subjected to further curation. The score for this variant resulted in a classification of likely benign for this disease.

Breakthrough Genomics
Classification: Likely benign. Review status: criteria provided, single submitter. Criteria: ACMG Guidelines, 2015. Collection method: not provided. Allele origin: germline. Inheritance: Autosomal recessive inheritance. Affected: yes.

PreventionGenetics, part of Exact Sciences
Classification: Benign for AP5Z1-related condition. Last evaluated: 2022-08-09. Review status: no assertion criteria provided. Collection method: clinical testing. Allele origin: germline. Not counted in ClinVar's aggregate classification.
Comment: This variant is classified as benign based on ACMG/AMP sequence variant interpretation guidelines (Richards et al. 2015 PMID: 25741868, with internal and published modifications).

NM_014855.3(AP5Z1):c.-3G>A

Genes: AP5Z1 (adaptor related protein complex 5 subunit zeta 1; plus strand), LOC129997861 (ATAC-STARR-seq lymphoblastoid active region 25565; plus strand). Cytogenetic location: 7p22.1.
Variant type: single nucleotide variant.
Coding change: c.-3G>A on transcript NM_014855.3 (MANE Select); 3 bases upstream of the start codon, G replaced by A.
Molecular consequence: 5 prime UTR variant. On other transcripts: non-coding transcript variant (1).
Genome position (GRCh38, 1-based): chr7:4,775,713, G>A. VCF-style: chr7-4775713-G-A. GRCh37 (hg19) VCF-style: chr7-4815344-G-A.
Other names: c.-3G>A (LRG_1247t1); c.-284G>A (NM_001364858.1).
Identifiers: ClinVar variation 360304 (VCV000360304.15), dbSNP rs142983676, ClinGen allele CA4136995.